The following is an entry in ClinVar:

ClinVar aggregate classification (germline): Uncertain significance (1 of 4 stars; one submission).

Conditions:
Charcot-Marie-Tooth disease axonal type 2S. Also called: CHARCOT-MARIE-TOOTH NEUROPATHY, TYPE 2S; CHARCOT-MARIE-TOOTH DISEASE, AXONAL, AUTOSOMAL RECESSIVE, TYPE 2S. Identifiers: Orphanet 443073, MedGen C4015349, MONDO:0014511, OMIM 616155.
Autosomal recessive distal spinal muscular atrophy 1. Also called: HMN VI; NEURONOPATHY, SEVERE INFANTILE AXONAL, WITH RESPIRATORY FAILURE; SEVERE INFANTILE AXONAL NEUROPATHY WITH RESPIRATORY FAILURE; SPINAL MUSCULAR ATROPHY, DIAPHRAGMATIC; Spinal muscular atrophy with respiratory distress 1; NEURONOPATHY, DISTAL HEREDITARY MOTOR, HARDING TYPE VI. Identifiers: Orphanet 98920, MedGen C1858517, MONDO:0011436, OMIM 604320.

Submission:

Labcorp Genetics (formerly Invitae), Labcorp
Classification: Uncertain significance for Autosomal recessive distal spinal muscular atrophy 1; Charcot-Marie-Tooth disease axonal type 2S. Last evaluated: 2022-11-08. Review status: criteria provided, single submitter. Criteria: Invitae Variant Classification Sherloc (09022015). Collection method: clinical testing. Allele origin: germline.
Comment: In summary, the available evidence is currently insufficient to determine the role of this variant in disease. Therefore, it has been classified as a Variant of Uncertain Significance. Advanced modeling of protein sequence and biophysical properties (such as structural, functional, and spatial information, amino acid conservation, physicochemical variation, residue mobility, and thermodynamic stability) performed at Invitae indicates that this missense variant is expected to disrupt IGHMBP2 protein function. This missense change has been observed in individual(s) with clinical features of IGHMBP2-related conditions (Invitae). This variant is not present in population databases (gnomAD no frequency). This sequence change replaces arginine, which is basic and polar, with proline, which is neutral and non-polar, at codon 443 of the IGHMBP2 protein (p.Arg443Pro).

NM_002180.3(IGHMBP2):c.1328G>C (p.Arg443Pro)

Gene: IGHMBP2 (immunoglobulin mu DNA binding protein 2; plus strand). Cytogenetic location: 11q13.3.
Variant type: single nucleotide variant.
Coding change: c.1328G>C on transcript NM_002180.3 (MANE Select); coding-DNA position 1328, G replaced by C.
Protein change: p.Arg443Pro; replaces arginine 443 with proline.
Molecular consequence: missense variant.
Genome position (GRCh38, 1-based): chr11:68,933,391, G>C. VCF-style: chr11-68933391-G-C. GRCh37 (hg19) VCF-style: chr11-68700859-G-C.
Other names: short protein forms R443P.
Identifiers: ClinVar variation 1994287 (VCV001994287.4), dbSNP rs757304363, ClinGen allele CA381649039.